The following is an entry in ClinVar:

NM_198503.5(KCNT2):c.1451G>T (p.Cys484Phe)

Gene: KCNT2 (potassium sodium-activated channel subfamily T member 2; minus strand). Cytogenetic location: 1q31.3.
Variant type: single nucleotide variant.
Coding change: c.1451G>T on transcript NM_198503.5 (MANE Select); coding-DNA position 1451, G replaced by T.
Protein change: p.Cys484Phe; replaces cysteine 484 with phenylalanine.
Molecular consequence: missense variant. On other transcripts: intron variant (1), non-coding transcript variant (2).
Genome position (GRCh38, 1-based): chr1:196,342,181, C>A on the plus strand (G>T on the coding strand, the complement: KCNT2 is on the minus strand). VCF-style: chr1-196342181-C-A. GRCh37 (hg19) VCF-style: chr1-196311311-C-A.
Other names: c.1404-1611G>T (NM_001287820.3); c.1451G>T, p.Cys484Phe (NM_001287819.3); c.1451G>T (NM_198503.2); short protein forms C484F.
Identifiers: ClinVar variation 2639680 (VCV002639680.24), dbSNP rs765937619, ClinGen allele CA343979926.

ClinVar aggregate classification (germline): Uncertain significance. Review status: criteria provided, multiple submitters, no conflicts (2 of 4 stars). 2 submissions from 2 submitters: Uncertain significance (2). Last evaluated 2026-02-16.

Conditions:
Inborn genetic diseases. Identifiers: MedGen C0950123, MeSH D030342.

Allele frequency attached by ClinVar (database versions not stated): gnomAD 0.00001.
gnomAD v4.1: 8 of 1,611,644 alleles (0.0005%); highest among the groups gnomAD compares: African/African-American, 0.0013%; no homozygotes.

Submissions (2):

Ambry Genetics
Classification: Uncertain significance for Inborn genetic diseases. Last evaluated: 2026-02-16. Review status: criteria provided, single submitter. Criteria: Ambry Variant Classification Scheme 2023. Collection method: clinical testing. Allele origin: germline.
Comment: The c.1451G>T (p.C484F) alteration is located in exon 15 (coding exon 15) of the KCNT2 gene. This alteration results from a G to T substitution at nucleotide position 1451, causing the cysteine (C) at amino acid position 484 to be replaced by a phenylalanine (F). Based on data from gnomAD, the T allele has an overall frequency of <0.001% (1/248784) total alleles studied. The highest observed frequency was 0.001% (1/113012) of European (non-Finnish) alleles. Based on insufficient or conflicting evidence, the clinical significance of this alteration remains unclear.

CeGaT Center for Human Genetics Tuebingen
Classification: Uncertain significance. Last evaluated: 2022-10-01. Review status: criteria provided, single submitter. Criteria: CeGaT Center For Human Genetics Tuebingen Variant Classification Criteria Version 2. Collection method: clinical testing. Allele origin: germline. Affected: yes. Observed: 1 variant allele.
Comment: KCNT2: PM2, PP2